The following is an entry in ClinVar:

NM_001291303.3(FAT4):c.13699T>C (p.Tyr4567His)

Gene: FAT4 (FAT atypical cadherin 4; plus strand). Cytogenetic location: 4q28.1.
Variant type: single nucleotide variant.
Coding change: c.13699T>C on transcript NM_001291303.3 (MANE Select); coding-DNA position 13699, T replaced by C.
Protein change: p.Tyr4567His; replaces tyrosine 4567 with histidine.
Molecular consequence: missense variant.
Genome position (GRCh38, 1-based): chr4:125,490,515, T>C. VCF-style: chr4-125490515-T-C. GRCh37 (hg19) VCF-style: chr4-126411670-T-C.
Other names: c.13696T>C, p.Tyr4566His (NM_001291285.3); c.13693T>C, p.Tyr4565His (NM_024582.6); short protein forms Y4566H, Y4567H, Y4565H.
Identifiers: ClinVar variation 2126351 (VCV002126351.4), dbSNP rs2530084611, ClinGen allele CA358137767.

ClinVar aggregate classification (germline): Uncertain significance (1 of 4 stars; one submission).

Allele frequency attached by ClinVar (database versions not stated): gnomAD exomes 0.00001.
gnomAD v4.1: 13 of 1,614,094 alleles (0.00081%); highest among the groups gnomAD compares: Non-Finnish European, 0.0011%; no homozygotes.

Submission:

Labcorp Genetics (formerly Invitae), Labcorp
Classification: Uncertain significance. Last evaluated: 2022-04-15. Review status: criteria provided, single submitter. Criteria: Invitae Variant Classification Sherloc (09022015). Collection method: clinical testing. Allele origin: germline.
Comment: In summary, the available evidence is currently insufficient to determine the role of this variant in disease. Therefore, it has been classified as a Variant of Uncertain Significance. Advanced modeling of protein sequence and biophysical properties (such as structural, functional, and spatial information, amino acid conservation, physicochemical variation, residue mobility, and thermodynamic stability) performed at Invitae indicates that this missense variant is not expected to disrupt FAT4 protein function. This variant has not been reported in the literature in individuals affected with FAT4-related conditions. This variant is not present in population databases (gnomAD no frequency). This sequence change replaces tyrosine, which is neutral and polar, with histidine, which is basic and polar, at codon 4565 of the FAT4 protein (p.Tyr4565His).